The following is an entry in ClinVar:

NM_032578.4(MYPN):c.3577T>A (p.Cys1193Ser)

Gene: MYPN (myopalladin; plus strand). Cytogenetic location: 10q21.3.
Variant type: single nucleotide variant.
Coding change: c.3577T>A on transcript NM_032578.4 (MANE Select); coding-DNA position 3577, T replaced by A.
Protein change: p.Cys1193Ser; replaces cysteine 1193 with serine.
Molecular consequence: missense variant. On other transcripts: non-coding transcript variant (2).
Genome position (GRCh38, 1-based): chr10:68,201,912, T>A. VCF-style: chr10-68201912-T-A. GRCh37 (hg19) VCF-style: chr10-69961669-T-A.
Other names: c.3577T>A (NM_032578.2); c.3577T>A, p.Cys1193Ser (NM_001256267.2); c.2695T>A, p.Cys899Ser (NM_001256268.2); short protein forms C1193S, C899S.
Identifiers: ClinVar variation 2180665 (VCV002180665.5), dbSNP rs1315553278, ClinGen allele CA376860098.
Genomic context (GRCh38, chr10:68,201,912, plus strand): 5'-GTGATCCTGGAGAAACTACAGAACTGCGGTGTTCCCGAAGGCCACCCCGTGAGACTGGAG[T>A]GCCGCGTGATAGGCATGCCCCCACCTGTGTTCTACTGGAAGAAAGACAATGAGACCATCC-3'
Protein context (NP_115967.2, residues 1183-1203): VPEGHPVRLE[Cys1193Ser]RVIGMPPPVF

ClinVar aggregate classification (germline): Uncertain significance. Review status: criteria provided, multiple submitters, no conflicts (2 of 4 stars). 2 submissions from 2 submitters: Uncertain significance (2). Last evaluated 2024-10-29.

Conditions:
Cardiovascular phenotype. Identifiers: MedGen CN230736.
Dilated cardiomyopathy 1KK (CMD1KK). Identifiers: Orphanet 154, Orphanet 75249, MedGen C3714995, MONDO:0014100, OMIM 615248.

Allele frequency attached by ClinVar (database versions not stated): gnomAD 0.00001.
gnomAD v4.1: 1 of 1,613,404 alleles (0.000062%); highest among the groups gnomAD compares: Non-Finnish European, 0.000085%; no homozygotes.

Submissions (2):

Labcorp Genetics (formerly Invitae), Labcorp
Classification: Uncertain significance for Dilated cardiomyopathy 1KK. Last evaluated: 2024-10-29. Review status: criteria provided, single submitter. Criteria: Invitae Variant Classification Sherloc (09022015). Collection method: clinical testing. Allele origin: germline.
Comment: This sequence change replaces cysteine, which is neutral and slightly polar, with serine, which is neutral and polar, at codon 1193 of the MYPN protein (p.Cys1193Ser). This variant is present in population databases (no rsID available, gnomAD 0.007%). This variant has not been reported in the literature in individuals affected with MYPN-related conditions. ClinVar contains an entry for this variant (Variation ID: 2180665). An algorithm developed to predict the effect of missense changes on protein structure and function (PolyPhen-2) suggests that this variant is likely to be disruptive. In summary, the available evidence is currently insufficient to determine the role of this variant in disease. Therefore, it has been classified as a Variant of Uncertain Significance.

Ambry Genetics
Classification: Uncertain significance for Cardiovascular phenotype. Last evaluated: 2023-11-26. Review status: criteria provided, single submitter. Criteria: Ambry Variant Classification Scheme 2023. Collection method: clinical testing. Allele origin: germline.
Comment: The p.C1193S variant (also known as c.3577T>A), located in coding exon 17 of the MYPN gene, results from a T to A substitution at nucleotide position 3577. The cysteine at codon 1193 is replaced by serine, an amino acid with dissimilar properties. This amino acid position is conserved. In addition, the in silico prediction for this alteration is inconclusive. Since supporting evidence is limited at this time, the clinical significance of this alteration remains unclear.